The following is an entry in ClinVar:

ClinVar aggregate classification (germline): Uncertain significance (1 of 4 stars; one submission).

Conditions:
Developmental and epileptic encephalopathy, 53. Also called: Epileptic encephalopathy, early infantile, 53. Identifiers: MedGen C4479313, MONDO:0033362, OMIM 617389.
Early-onset Parkinson disease 20. Also called: PARKINSON DISEASE 20, AUTOSOMAL RECESSIVE EARLY-ONSET. Identifiers: Orphanet 391411, MedGen C3809824, MONDO:0014233, OMIM 615530.

Submission:

Labcorp Genetics (formerly Invitae), Labcorp
Classification: Uncertain significance for Developmental and epileptic encephalopathy, 53; Early-onset Parkinson disease 20. Last evaluated: 2024-04-10. Review status: criteria provided, single submitter. Criteria: Invitae Variant Classification Sherloc (09022015). Collection method: clinical testing. Allele origin: germline.
Comment: This sequence change replaces threonine, which is neutral and polar, with isoleucine, which is neutral and non-polar, at codon 621 of the SYNJ1 protein (p.Thr621Ile). This variant is not present in population databases (gnomAD no frequency). This variant has not been reported in the literature in individuals affected with SYNJ1-related conditions. ClinVar contains an entry for this variant (Variation ID: 2005729). Advanced modeling of protein sequence and biophysical properties (such as structural, functional, and spatial information, amino acid conservation, physicochemical variation, residue mobility, and thermodynamic stability) performed at Invitae indicates that this missense variant is not expected to disrupt SYNJ1 protein function with a negative predictive value of 80%. In summary, the available evidence is currently insufficient to determine the role of this variant in disease. Therefore, it has been classified as a Variant of Uncertain Significance.

NM_203446.3(SYNJ1):c.1745C>T (p.Thr582Ile)

Gene: SYNJ1 (synaptojanin 1; minus strand). Cytogenetic location: 21q22.11.
Variant type: single nucleotide variant.
Coding change: c.1745C>T on transcript NM_203446.3 (MANE Select); coding-DNA position 1745, C replaced by T.
Protein change: p.Thr582Ile; replaces threonine 582 with isoleucine.
Molecular consequence: missense variant.
Genome position (GRCh38, 1-based): chr21:32,670,354, G>A on the plus strand (C>T on the coding strand, the complement: SYNJ1 is on the minus strand). VCF-style: chr21-32670354-G-A. GRCh37 (hg19) VCF-style: chr21-34042664-G-A.
Other names: c.1745C>T, p.Thr582Ile (NM_001160302.2); c.1730C>T, p.Thr577Ile (NM_001160306.2); c.1862C>T, p.Thr621Ile (NM_003895.4); short protein forms T577I, T621I, T582I.
Identifiers: ClinVar variation 2005729 (VCV002005729.4), dbSNP rs1406738746, ClinGen allele CA410083807.